The following is an entry in ClinVar:

NM_021942.6(TRAPPC11):c.2152C>T (p.Gln718Ter)

Gene: TRAPPC11 (trafficking protein particle complex subunit 11; plus strand). Cytogenetic location: 4q35.1.
Variant type: single nucleotide variant.
Coding change: c.2152C>T on transcript NM_021942.6 (MANE Select); coding-DNA position 2152, C replaced by T.
Protein change: p.Gln718Ter; replaces glutamine 718 with a stop codon.
Molecular consequence: nonsense.
Genome position (GRCh38, 1-based): chr4:183,693,062, C>T. VCF-style: chr4-183693062-C-T. GRCh37 (hg19) VCF-style: chr4-184614215-C-T.
Other names: c.2152C>T, p.Gln718Ter (NM_199053.3); short protein forms Q718*.
Identifiers: ClinVar variation 1331197 (VCV001331197.4), dbSNP rs2111065159, ClinGen allele CA358870934.
Genomic context (GRCh38, chr4:183,693,062, plus strand): 5'-TGTGTGGTTTTAAATTGGCAGGGAGGAGGAGGAGATGCTGCTTCCTCCCAAGAAGCCTTA[C>T]AGGCAGCTCGGTCTTTCAAAAGGCGACCTAAGCTACCTGACAATGAAGTTCACTGGGACA-3'

ClinVar aggregate classification (germline): Likely pathogenic (1 of 4 stars; one submission).

gnomAD v4.1: 1 of 1,613,702 alleles (0.000062%); no homozygotes.

Submission:

GeneDx
Classification: Likely pathogenic. Last evaluated: 2022-01-11. Review status: criteria provided, single submitter. Criteria: GeneDx Variant Classification Process June 2021. Collection method: clinical testing. Allele origin: germline. Affected: yes.
Comment: Nonsense variant predicted to result in protein truncation or nonsense mediated decay in a gene for which loss-of-function is a known mechanism of disease; Not observed in large population cohorts (gnomAD); Has not been previously published as pathogenic or benign to our knowledge